The following is an entry in ClinVar:

ClinVar aggregate classification (germline): Pathogenic (1 of 4 stars; one submission).

Conditions:
Hereditary spastic paraplegia 8 (SPG8). Also called: SPASTIC PARAPLEGIA 8, AUTOSOMAL DOMINANT. Identifiers: Orphanet 100989, MedGen C1863704, MONDO:0011339, OMIM 603563.
Ritscher-Schinzel syndrome. Also called: CRANIOCEREBELLOCARDIAC DYSPLASIA. Identifiers: Orphanet 7, MedGen C0796137, MONDO:0019078.

Submission:

Labcorp Genetics (formerly Invitae), Labcorp
Classification: Pathogenic for Ritscher-Schinzel syndrome; Hereditary spastic paraplegia 8. Last evaluated: 2024-01-24. Review status: criteria provided, single submitter. Criteria: Invitae Variant Classification Sherloc (09022015). Collection method: clinical testing. Allele origin: germline.
Comment: This sequence change creates a premature translational stop signal (p.Gln865Hisfs*62) in the WASHC5 gene. It is expected to result in an absent or disrupted protein product. Loss-of-function variants in WASHC5 are known to be pathogenic (PMID: 24065355). This variant is not present in population databases (gnomAD no frequency). This variant has not been reported in the literature in individuals affected with WASHC5-related conditions. ClinVar contains an entry for this variant (Variation ID: 2023842). For these reasons, this variant has been classified as Pathogenic.

Literature cited by the submitters: PubMed 24065355.

NM_014846.4(WASHC5):c.2595_2599del (p.Gln865fs)

Genes: WASHC5-AS1 (WASHC5 antisense RNA 1; plus strand), WASHC5 (WASH complex subunit 5; minus strand). Cytogenetic location: 8q24.13.
Variant type: Deletion.
Coding change: c.2595_2599del on transcript NM_014846.4 (MANE Select); coding-DNA positions 2595 to 2599, 5 bases deleted (GACCA; older notation c.2595_2599delGACCA).
Protein change: p.Gln865fs; shifts the reading frame from glutamine 865.
Molecular consequence: frameshift variant. On other transcripts: non-coding transcript variant (1).
Genome position (GRCh38, 1-based): chr8:125,044,604-125,044,608, TGGTC deleted on the plus strand (GACCA on the coding strand, the reverse complement: WASHC5 is on the minus strand); deleting any 5 consecutive bases within chr8:125,044,604-125,044,611 gives the same sequence; the c. name uses the placement nearest the transcript's 3' end. VCF-style (leftmost placement, unchanged base first): chr8-125044603-GTGGTC-G. GRCh37 (hg19) VCF-style: chr8-126056845-GTGGTC-G.
Other names: c.2151_2155del, p.Gln717fs (NM_001330609.2); short protein forms Q865fs, Q717fs.
Identifiers: ClinVar variation 2023842 (VCV002023842.4), dbSNP rs2537306012, ClinGen allele CA2580078579.